The following is an entry in ClinVar:

NM_001164508.2(NEB):c.25330C>T (p.Gln8444Ter)

Genes: NEB (nebulin; minus strand), RIF1 (replication timing regulatory factor 1; plus strand). Cytogenetic location: 2q23.3.
Variant type: single nucleotide variant.
Coding change: c.25330C>T on transcript NM_001164508.2 (MANE Select); coding-DNA position 25330, C replaced by T.
Protein change: p.Gln8444Ter; replaces glutamine 8444 with a stop codon.
Molecular consequence: nonsense.
Genome position (GRCh38, 1-based): chr2:151,490,045, G>A on the plus strand (C>T on the coding strand, the complement: NEB is on the minus strand). VCF-style: chr2-151490045-G-A. GRCh37 (hg19) VCF-style: chr2-152346559-G-A.
Other names: NM_001164508.2(NEB):c.25330C>T; p.Gln8444Ter; c.25330C>T, p.Gln8444Ter (NM_001164507.2); c.25435C>T, p.Gln8479Ter (NM_001271208.2); c.19762C>T, p.Gln6588Ter (NM_004543.5); c.25435C>T (NM_001271208.1); short protein forms Q6588*, Q8444*, Q8479*.
Identifiers: ClinVar variation 1454699 (VCV001454699.12), dbSNP rs778104284, ClinGen allele CA1905739.

ClinVar aggregate classification (germline): Pathogenic/Likely pathogenic. Review status: criteria provided, multiple submitters, no conflicts (2 of 4 stars). 6 submissions from 6 submitters: Pathogenic (2); Likely pathogenic (4). Last evaluated 2025-12-30.

Conditions:
Nemaline myopathy. Also called: Myopathies, Nemaline. Identifiers: Orphanet 607, MedGen C0206157, MONDO:0018958.
Nemaline myopathy 2 (NEM2). Also called: Nemaline myopathy 2, autosomal recessive. Identifiers: MedGen C1850569, MONDO:0009725, OMIM 256030.
Arthrogryposis multiplex congenita 6. Identifiers: MedGen C5543431, MONDO:0030281, OMIM 619334.

Allele frequency attached by ClinVar (database versions not stated): ExAC 0.00001; gnomAD 0.00001; gnomAD exomes 0.00001.
gnomAD v4.1: 36 of 1,612,830 alleles (0.0022%); highest among the groups gnomAD compares: Non-Finnish European, 0.003%; no homozygotes.

Submissions (6):

Women's Health and Genetics/Laboratory Corporation of America, LabCorp
Classification: Pathogenic for Nemaline myopathy. Last evaluated: 2025-12-30. Review status: criteria provided, single submitter. Criteria: LabCorp Variant Classification Summary - May 2015. Collection method: clinical testing. Allele origin: germline.
Comment: Variant summary: NEB c.25435C>T (p.Gln8479X) results in a premature termination codon, predicted to cause absence of the protein due to nonsense mediated decay, which is a commonly known mechanism for disease. The variant allele was found at a frequency of 8.1e-06 in 248230 control chromosomes (gnomAD). To our knowledge, no occurrence of c.25435C>T in individuals affected with NEB-related conditions and no experimental evidence demonstrating its impact on protein function have been reported. ClinVar contains an entry for this variant (Variation ID: 1454699). Based on the evidence outlined above, the variant was classified as pathogenic.

Natera, Inc.
Classification: Likely pathogenic for Nemaline myopathy type 2. Last evaluated: 2025-12-22. Review status: criteria provided, single submitter. Criteria: Natera Variant Classification Schema (03/2026). Collection method: clinical testing. Allele origin: germline.
Comment: The c.25435C>T variant in NEB is a nonsense variant predicted to introduce a stop codon at amino acid 8479. This variant is expected to result in nonsense mediated decay, truncation, or a dysfunctional protein product. This variant is rare in the general population with a frequency below the threshold expected for the associated phenotype(s). Given the available evidence, this variant is classified as Likely Pathogenic.

Labcorp Genetics (formerly Invitae), Labcorp
Classification: Pathogenic for Nemaline myopathy 2. Last evaluated: 2025-10-19. Review status: criteria provided, single submitter. Criteria: Invitae Variant Classification Sherloc (09022015). Collection method: clinical testing. Allele origin: germline.
Comment: This sequence change creates a premature translational stop signal (p.Gln8479*) in the NEB gene. It is expected to result in an absent or disrupted protein product. Loss-of-function variants in NEB are known to be pathogenic (PMID: 25205138). This variant is present in population databases (rs778104284, gnomAD 0.008%). This variant has not been reported in the literature in individuals affected with NEB-related conditions. ClinVar contains an entry for this variant (Variation ID: 1454699). For these reasons, this variant has been classified as Pathogenic.

Broad Center for Mendelian Genomics, Broad Institute of MIT and Harvard
Classification: Likely pathogenic for Nemaline myopathy. Last evaluated: 2025-02-24. Review status: criteria provided, single submitter. Criteria: ACMG Guidelines, 2015. Collection method: curation. Allele origin: germline. Inheritance: Autosomal recessive inheritance.
Comment: The p.Gln8444Ter variant in NEB has not been previously reported in the literature in individuals with nemaline myopathy, but has been identified in 0.003% (35/1179494) of European (Finnish) chromosomes by the Genome Aggregation Database (gnomAD; dbSNP ID: rs778104284). Although this variant has been seen in the general population in a heterozygous state, its frequency is low enough to be consistent with a recessive carrier frequency. This variant has also been reported in ClinVar (Variation ID: 1454699) and has been interpreted as pathogenic by Invitae. This nonsense variant leads to a premature termination codon at position 8444, which is predicted to lead to a truncated or absent protein. Loss of function of the NEB gene is an established disease mechanism in autosomal recessive nemaline myopathy. In summary, although additional studies are required to fully establish its clinical significance, this variant is likely pathogenic for autosomal recessive nemaline myopathy. ACMG/AMP Criteria applied: PVS1, PM2_supporting (Richards 2015).

Baylor Genetics
Classification: Likely pathogenic for Arthrogryposis multiplex congenita 6. Last evaluated: 2024-02-20. Review status: criteria provided, single submitter. Criteria: ACMG Guidelines, 2015. Collection method: clinical testing. Allele origin: unknown.

Revvity Omics, Revvity
Classification: Likely pathogenic. Last evaluated: 2024-01-17. Review status: criteria provided, single submitter. Criteria: ACMG Guidelines, 2015. Collection method: clinical testing. Allele origin: germline.

Literature cited by the submitters: PubMed 25205138 (cited by Labcorp Genetics (formerly Invitae), Labcorp).